The following is an entry in ClinVar:

ClinVar aggregate classification (germline): Uncertain significance. Review status: criteria provided, single submitter (1 of 4 stars). 2 submissions from 2 submitters: Uncertain significance (1). 1 of the submissions does not count toward it. Last evaluated 2023-02-13.

Conditions:
DNAH1-related disorder. Also called: DNAH1-related condition.
Spermatogenic failure 18. Identifiers: MedGen C4539783, MONDO:0054615, OMIM 617576.
Ciliary dyskinesia, primary, 37 (CILD37). Also called: CILIARY DYSKINESIA, PRIMARY, 37, WITH OR WITHOUT SITUS INVERSUS. Identifiers: MedGen C4539798, MONDO:0033204, OMIM 617577.

Allele frequency attached by ClinVar (database versions not stated): gnomAD exomes 0.00001; gnomAD 0.00003; TOPMed 0.00003.
gnomAD v4.1: 20 of 1,612,218 alleles (0.0012%); highest among the groups gnomAD compares: East Asian, 0.0089%; no homozygotes.

Submissions (2):

Labcorp Genetics (formerly Invitae), Labcorp
Classification: Uncertain significance for Ciliary dyskinesia, primary, 37; Spermatogenic failure 18. Last evaluated: 2023-02-13. Review status: criteria provided, single submitter. Criteria: Invitae Variant Classification Sherloc (09022015). Collection method: clinical testing. Allele origin: germline.
Comment: This sequence change replaces proline, which is neutral and non-polar, with leucine, which is neutral and non-polar, at codon 875 of the DNAH1 protein (p.Pro875Leu). This variant is present in population databases (no rsID available, gnomAD 0.01%). This variant has not been reported in the literature in individuals affected with DNAH1-related conditions. Advanced modeling of protein sequence and biophysical properties (such as structural, functional, and spatial information, amino acid conservation, physicochemical variation, residue mobility, and thermodynamic stability) performed at Invitae indicates that this missense variant is not expected to disrupt DNAH1 protein function. In summary, the available evidence is currently insufficient to determine the role of this variant in disease. Therefore, it has been classified as a Variant of Uncertain Significance.

PreventionGenetics, part of Exact Sciences
Classification: Uncertain significance for DNAH1-related condition. Last evaluated: 2023-12-15. Review status: no assertion criteria provided. Collection method: clinical testing. Allele origin: germline. Not counted in ClinVar's aggregate classification.
Comment: The DNAH1 c.2624C>T variant is predicted to result in the amino acid substitution p.Pro875Leu. To our knowledge, this variant has not been reported in the literature. This variant is reported in 0.010% of alleles in individuals of East Asian descent in gnomAD. At this time, the clinical significance of this variant is uncertain due to the absence of conclusive functional and genetic evidence.

NM_015512.5(DNAH1):c.2624C>T (p.Pro875Leu)

Gene: DNAH1 (dynein axonemal heavy chain 1; plus strand). Cytogenetic location: 3p21.1.
Variant type: single nucleotide variant.
Coding change: c.2624C>T on transcript NM_015512.5 (MANE Select); coding-DNA position 2624, C replaced by T.
Protein change: p.Pro875Leu; replaces proline 875 with leucine.
Molecular consequence: missense variant.
Genome position (GRCh38, 1-based): chr3:52,350,086, C>T. VCF-style: chr3-52350086-C-T. GRCh37 (hg19) VCF-style: chr3-52384102-C-T.
Other names: c.2624C>T (NM_015512.4); short protein forms P875L.
Identifiers: ClinVar variation 2046425 (VCV002046425.6), dbSNP rs891121386, ClinGen allele CA74740750.